The following is an entry in ClinVar:

ClinVar aggregate classification (germline): Uncertain significance (1 of 4 stars; one submission).

Conditions:
Hereditary insensitivity to pain with anhidrosis (CIPA). Also called: NTRK1 Congenital Insensitivity to Pain with Anhidrosis; INSENSITIVITY TO PAIN, CONGENITAL, WITH ANHIDROSIS; HSAN Type IV; hereditary sensory and autonomic neuropathy type 4; FAMILIAL DYSAUTONOMIA, TYPE II; NEUROPATHY, CONGENITAL SENSORY, WITH ANHIDROSIS. Identifiers: Orphanet 642, MedGen C0020074, MONDO:0009746, OMIM 256800.

Allele frequency attached by ClinVar (database versions not stated): gnomAD exomes below 0.00001 and 0.00001; ExAC 0.00001.
gnomAD v4.1: 10 of 1,612,416 alleles (0.00062%); highest among the groups gnomAD compares: Non-Finnish European, 0.00085%; no homozygotes.

Submission:

Labcorp Genetics (formerly Invitae), Labcorp
Classification: Uncertain significance for Hereditary insensitivity to pain with anhidrosis. Last evaluated: 2021-08-27. Review status: criteria provided, single submitter. Criteria: Invitae Variant Classification Sherloc (09022015). Collection method: clinical testing. Allele origin: germline.
Comment: This sequence change replaces threonine with alanine at codon 716 of the NTRK1 protein (p.Thr716Ala). The threonine residue is highly conserved and there is a small physicochemical difference between threonine and alanine. This variant is present in population databases (rs762163798, ExAC 0.002%). This variant has not been reported in the literature in individuals affected with NTRK1-related conditions. Algorithms developed to predict the effect of missense changes on protein structure and function (SIFT, PolyPhen-2, Align-GVGD) all suggest that this variant is likely to be disruptive. In summary, the available evidence is currently insufficient to determine the role of this variant in disease. Therefore, it has been classified as a Variant of Uncertain Significance.

NM_002529.4(NTRK1):c.2164A>G (p.Thr722Ala)

Gene: NTRK1 (neurotrophic receptor tyrosine kinase 1; plus strand). Cytogenetic location: 1q23.1.
Variant type: single nucleotide variant.
Coding change: c.2164A>G on transcript NM_002529.4 (MANE Select); coding-DNA position 2164, A replaced by G.
Protein change: p.Thr722Ala; replaces threonine 722 with alanine.
Molecular consequence: missense variant.
Genome position (GRCh38, 1-based): chr1:156,880,116, A>G. VCF-style: chr1-156880116-A-G. GRCh37 (hg19) VCF-style: chr1-156849908-A-G.
Other names: c.2056A>G, p.Thr686Ala (NM_001007792.1); c.2146A>G, p.Thr716Ala (NM_001012331.2); short protein forms T716A, T686A, T722A.
Identifiers: ClinVar variation 664570 (VCV000664570.7), dbSNP rs762163798, ClinGen allele CA1169580.